The following is an entry in ClinVar:

NM_015102.5(NPHP4):c.3976C>T (p.Arg1326Cys)

Gene: NPHP4 (nephrocystin 4; minus strand). Cytogenetic location: 1p36.31.
Variant type: single nucleotide variant.
Coding change: c.3976C>T on transcript NM_015102.5 (MANE Select); coding-DNA position 3976, C replaced by T.
Protein change: p.Arg1326Cys; replaces arginine 1326 with cysteine.
Molecular consequence: missense variant. On other transcripts: non-coding transcript variant (1).
Genome position (GRCh38, 1-based): chr1:5,864,358, G>A on the plus strand (C>T on the coding strand, the complement: NPHP4 is on the minus strand). VCF-style: chr1-5864358-G-A. GRCh37 (hg19) VCF-style: chr1-5924418-G-A.
Other names: p.Arg1326Cys; c.2437C>T, p.Arg813Cys (NM_001291593.2); c.2440C>T, p.Arg814Cys (NM_001291594.2); c.3976C>T (NM_015102.3); short protein forms R814C, R1326C, R813C.
Identifiers: ClinVar variation 1499197 (VCV001499197.11), dbSNP rs531607950, ClinGen allele CA553407.

ClinVar aggregate classification (germline): Uncertain significance. Review status: criteria provided, multiple submitters, no conflicts (2 of 4 stars). 4 submissions from 4 submitters: Uncertain significance (4). Last evaluated 2025-03-07.

Conditions:
Inborn genetic diseases. Identifiers: MedGen C0950123, MeSH D030342.
Nephronophthisis 4 (NPHP4). Also called: NEPHRONOPHTHISIS 4, JUVENILE. Identifiers: Orphanet 655, MedGen C1847013, MONDO:0011752, OMIM 606966.
Senior-Loken syndrome 4 (SLSN4). Identifiers: Orphanet 3156, MedGen C1846979, MONDO:0011756, OMIM 606996.
Nephronophthisis. Also called: Juvenile Nephronophthisis. Identifiers: Orphanet 655, MedGen C0687120, MONDO:0019005, HP:0000090.

Allele frequency attached by ClinVar (database versions not stated): TOPMed below 0.00001; gnomAD 0.00001; gnomAD exomes 0.00001; ExAC 0.00003; 1000 Genomes Project 30x 0.00016; 1000 Genomes Project 0.00020.
gnomAD v4.1: 14 of 1,608,062 alleles (0.00087%); highest among the groups gnomAD compares: South Asian, 0.0077%; no homozygotes.

Submissions (4):

Ambry Genetics
Classification: Uncertain significance for Inborn genetic diseases. Last evaluated: 2025-03-07. Review status: criteria provided, single submitter. Criteria: Ambry Variant Classification Scheme 2023. Collection method: clinical testing. Allele origin: germline.

Fulgent Genetics
Classification: Uncertain significance for Nephronophthisis 4; Senior-Loken syndrome 4. Last evaluated: 2022-04-14. Review status: criteria provided, single submitter. Criteria: ACMG Guidelines, 2015. Collection method: clinical testing. Allele origin: unknown.

Labcorp Genetics (formerly Invitae), Labcorp
Classification: Uncertain significance for Nephronophthisis. Last evaluated: 2022-01-16. Review status: criteria provided, single submitter. Criteria: Invitae Variant Classification Sherloc (09022015). Collection method: clinical testing. Allele origin: germline.
Comment: This sequence change replaces arginine, which is basic and polar, with cysteine, which is neutral and slightly polar, at codon 1326 of the NPHP4 protein (p.Arg1326Cys). This variant is present in population databases (rs531607950, gnomAD 0.007%). This variant has not been reported in the literature in individuals affected with NPHP4-related conditions. Algorithms developed to predict the effect of missense changes on protein structure and function (SIFT, PolyPhen-2, Align-GVGD) all suggest that this variant is likely to be disruptive. In summary, the available evidence is currently insufficient to determine the role of this variant in disease. Therefore, it has been classified as a Variant of Uncertain Significance.

Mayo Clinic Laboratories, Mayo Clinic
Classification: Uncertain significance. Last evaluated: 2021-11-19. Review status: criteria provided, single submitter. Criteria: ACMG Guidelines, 2015. Collection method: clinical testing. Allele origin: germline.